The following is an entry in ClinVar:

ClinVar aggregate classification (germline): Pathogenic. Review status: criteria provided, multiple submitters, no conflicts (2 of 4 stars). 2 submissions from 2 submitters: Pathogenic (2). Last evaluated 2025-02-11.

Conditions:
Hereditary cancer-predisposing syndrome. Also called: Tumor predisposition; Neoplastic Syndromes, Hereditary; Hereditary neoplastic syndrome; Hereditary Cancer Syndrome. Identifiers: Orphanet 140162, MedGen C0027672, MeSH D009386, MONDO:0015356.
Gorlin syndrome. Also called: Nevoid Basal Cell Carcinoma Syndrome; Basal cell nevus syndrome. Identifiers: Orphanet 377, MedGen C0004779, MONDO:0007187.

Submissions (2):

Ambry Genetics
Classification: Pathogenic for Hereditary cancer-predisposing syndrome. Last evaluated: 2025-02-11. Review status: criteria provided, single submitter. Criteria: Ambry Variant Classification Scheme 2023. Collection method: clinical testing. Allele origin: germline.
Comment: The c.1303dupT pathogenic mutation, located in coding exon 9 of the PTCH1 gene, results from a duplication of T at nucleotide position 1303, causing a translational frameshift with a predicted alternate stop codon (p.S435Ffs*2). This variant is considered to be rare based on population cohorts in the Genome Aggregation Database (gnomAD). This alteration is expected to result in loss of function by premature protein truncation or nonsense-mediated mRNA decay. As such, this alteration is interpreted as a disease-causing mutation.

Labcorp Genetics (formerly Invitae), Labcorp
Classification: Pathogenic for Gorlin syndrome. Last evaluated: 2021-10-11. Review status: criteria provided, single submitter. Criteria: Invitae Variant Classification Sherloc (09022015). Collection method: clinical testing. Allele origin: germline.
Comment: For these reasons, this variant has been classified as Pathogenic. ClinVar contains an entry for this variant (Variation ID: 1070583). This variant has not been reported in the literature in individuals affected with PTCH1-related conditions. This variant is not present in population databases (ExAC no frequency). This sequence change creates a premature translational stop signal (p.Ser435Phefs*2) in the PTCH1 gene. It is expected to result in an absent or disrupted protein product. Loss-of-function variants in PTCH1 are known to be pathogenic (PMID: 16301862, 16419085).

Literature cited by the submitters: PubMed 16301862 (cited by Labcorp Genetics (formerly Invitae), Labcorp); PubMed 16419085 (cited by Labcorp Genetics (formerly Invitae), Labcorp).

NM_000264.5(PTCH1):c.1303dup (p.Ser435fs)

Gene: PTCH1 (patched 1; minus strand). Cytogenetic location: 9q22.32.
Variant type: Duplication.
Coding change: c.1303dup on transcript NM_000264.5 (MANE Select); coding-DNA position 1303, one base duplicated (T; older notation c.1303dupT).
Protein change: p.Ser435fs; shifts the reading frame from serine 435.
Molecular consequence: frameshift variant. On other transcripts: non-coding transcript variant (1).
Genome position (GRCh38, 1-based): chr9:95,478,099, A duplicated on the plus strand (T on the coding strand, the reverse complement: PTCH1 is on the minus strand). VCF-style (leftmost placement, unchanged base first): chr9-95478098-G-GA. GRCh37 (hg19) VCF-style: chr9-98240380-G-GA.
Other names: c.1303dupT (NM_000264.3); c.1105dup, p.Ser369fs (NM_001083602.3); c.1300dup, p.Ser434fs (NM_001083603.3); c.850dup, p.Ser284fs (NM_001083604.3, NM_001083605.3, NM_001083606.3 and 1 more transcripts); c.1303dup, p.Ser435fs (NM_001354918.2); short protein forms S284fs, S369fs, S434fs, S435fs.
Identifiers: ClinVar variation 1070583 (VCV001070583.8), dbSNP rs2118332288, ClinGen allele CA2499220073.